The following is an entry in ClinVar:

ClinVar aggregate classification (germline): Uncertain significance. Review status: criteria provided, multiple submitters, no conflicts (2 of 4 stars). 3 submissions from 3 submitters: Uncertain significance (3). Last evaluated 2024-07-29.

Conditions:
Malignant hyperthermia, susceptibility to, 1 (MHS1). Also called: Anesthesia related hyperthermia; Malignant hyperpyrexia; Fulminating hyperpyrexia; Pharmacogenic myopathy; Malignant hyperthermia suceptibility 1; RYR1-Related Malignant Hyperthermia Susceptibility. Identifiers: Orphanet 423, MedGen C2930980, MONDO:0007783, OMIM 145600.
RYR1-related disorder. Also called: RYR1-related condition; RYR1-related disorders. Identifiers: MedGen CN239331.

Allele frequency attached by ClinVar (database versions not stated): gnomAD exomes below 0.00001; gnomAD 0.00001.
gnomAD v4.1: 6 of 1,609,006 alleles (0.00037%); highest among the groups gnomAD compares: Non-Finnish European, 0.00042%; no homozygotes.

Submissions (3):

All of Us Research Program, National Institutes of Health
Classification: Uncertain significance for Malignant hyperthermia, susceptibility to, 1. Last evaluated: 2024-07-29. Review status: criteria provided, single submitter. Criteria: ACMG Guidelines, 2015. Collection method: clinical testing. Allele origin: germline. Inheritance: Autosomal dominant inheritance. Observed: 1 variant allele, 1 heterozygote.
Comment: This missense variant replaces proline with arginine at codon 3429 of the RYR1 protein. Computational prediction suggests that this variant may not impact protein structure and function (internally defined REVEL score threshold <= 0.5, PMID: 27666373). To our knowledge, functional studies have not been reported for this variant. This variant has not been reported in individuals affected with RYR1-related disorders in the literature. This variant has been identified in 2/273062 chromosomes in the general population by the Genome Aggregation Database (gnomAD). The available evidence is insufficient to determine the role of this variant in disease conclusively. Therefore, this variant is classified as a Variant of Uncertain Significance.

This study involves interpretation of variants in research participants for the purpose of population health screening. Participant phenotype was not available at the time of variant classification. Additional details can be found in publication PMID: 35346344, PMCID: PMC8962531

Color Diagnostics, LLC DBA Color Health
Classification: Uncertain significance for Malignant hyperthermia, susceptibility to, 1. Last evaluated: 2024-07-16. Review status: criteria provided, single submitter. Criteria: ACMG Guidelines, 2015. Collection method: clinical testing. Allele origin: germline.
Comment: This missense variant replaces proline with arginine at codon 3429 of the RYR1 protein. Computational prediction suggests that this variant may not impact protein structure and function. To our knowledge, functional studies have not been reported for this variant. This variant has not been reported in individuals affected with RYR1-related disorders in the literature. This variant has been identified in 2/273062 chromosomes in the general population by the Genome Aggregation Database (gnomAD). The available evidence is insufficient to determine the role of this variant in disease conclusively. Therefore, this variant is classified as a Variant of Uncertain Significance.

Labcorp Genetics (formerly Invitae), Labcorp
Classification: Uncertain significance for RYR1-related disorder. Last evaluated: 2023-12-11. Review status: criteria provided, single submitter. Criteria: Invitae Variant Classification Sherloc (09022015). Collection method: clinical testing. Allele origin: germline.
Comment: This sequence change replaces proline, which is neutral and non-polar, with arginine, which is basic and polar, at codon 3429 of the RYR1 protein (p.Pro3429Arg). This variant is present in population databases (no rsID available, gnomAD 0.0008%). This variant has not been reported in the literature in individuals affected with RYR1-related conditions. Advanced modeling of protein sequence and biophysical properties (such as structural, functional, and spatial information, amino acid conservation, physicochemical variation, residue mobility, and thermodynamic stability) performed at Invitae indicates that this missense variant is not expected to disrupt RYR1 protein function with a negative predictive value of 95%. In summary, the available evidence is currently insufficient to determine the role of this variant in disease. Therefore, it has been classified as a Variant of Uncertain Significance.

NM_000540.3(RYR1):c.10286C>G (p.Pro3429Arg)

Gene: RYR1 (ryanodine receptor 1; plus strand). Cytogenetic location: 19q13.2.
Variant type: single nucleotide variant.
Coding change: c.10286C>G on transcript NM_000540.3 (MANE Select); coding-DNA position 10286, C replaced by G.
Protein change: p.Pro3429Arg; replaces proline 3429 with arginine.
Molecular consequence: missense variant.
Genome position (GRCh38, 1-based): chr19:38,523,054, C>G. VCF-style: chr19-38523054-C-G. GRCh37 (hg19) VCF-style: chr19-39013694-C-G.
Other names: c.10286C>G, p.Pro3429Arg (NM_001042723.2); short protein forms P3429R.
Identifiers: ClinVar variation 2721258 (VCV002721258.3), dbSNP rs946806650, ClinGen allele CA308133511.
Genomic context (GRCh38, chr19:38,523,054, plus strand): 5'-ACCCCCTCCCTCACCTCCCCTCCGCTGACCCCAGGGCGCAGTGGCTGACGGAGCCGAATC[C>G]CAGCGCGGAGGAGCTGTTCAGGATGGTGGGCGAGATCTTCATCTACTGGTCCAAGTCCCA-3'
Protein context (NP_000531.2, residues 3419-3439): NRAQWLTEPN[Pro3429Arg]SAEELFRMVG